The following is an entry in ClinVar:

ClinVar aggregate classification (germline): Pathogenic (1 of 4 stars; one submission).

Conditions:
X-linked myopathy with postural muscle atrophy. Also called: FHL1-Related Emery-Dreifuss Muscular Dystrophy, X-Linked. Identifiers: Orphanet 178461, MedGen C2678055, MONDO:0010401, OMIM 300696.

Submission:

Labcorp Genetics (formerly Invitae), Labcorp
Classification: Pathogenic for X-linked myopathy with postural muscle atrophy. Last evaluated: 2025-02-05. Review status: criteria provided, single submitter. Criteria: Invitae Variant Classification Sherloc (09022015). Collection method: clinical testing. Allele origin: germline.
Comment: This sequence change results in a frameshift in the FHL1 gene (p.Gln270Alafs*14). While this is not anticipated to result in nonsense mediated decay, it is expected to disrupt the last 11 amino acid(s) of the FHL1 protein and extend the protein by 2 additional amino acid residues. This variant is not present in population databases (gnomAD no frequency). This variant has not been reported in the literature in individuals affected with FHL1-related conditions. Algorithms developed to predict the effect of sequence changes on RNA splicing suggest that this variant may create or strengthen a splice site. This variant disrupts a region of the FHL1 protein in which other variant(s) (p.Cys276Tyr) have been determined to be pathogenic (PMID: 19716112, 22523091, 24634512). This suggests that this is a clinically significant region of the protein, and that variants that disrupt it are likely to be disease-causing. For these reasons, this variant has been classified as Pathogenic.

Literature cited by the submitters: PubMed 19716112; PubMed 22523091; PubMed 24634512.

NM_001159699.2(FHL1):c.855dup (p.Gln286fs)

Gene: FHL1 (four and a half LIM domains 1; plus strand). Cytogenetic location: Xq26.3.
Variant type: Duplication.
Coding change: c.855dup on transcript NM_001159699.2 (MANE Select); coding-DNA position 855, one base duplicated (G; older notation c.855dupG).
Protein change: p.Gln286fs; shifts the reading frame from glutamine 286.
Molecular consequence: frameshift variant. On other transcripts: 3 prime UTR variant (6), non-coding transcript variant (1).
Genome position (GRCh38, 1-based): chrX:136,209,989, G duplicated. VCF-style (leftmost placement, unchanged base first): chrX-136209988-A-AG. GRCh37 (hg19) VCF-style: chrX-135292147-A-AG.
Other names: c.807dup, p.Gln270fs (NM_001159700.2, NM_001159704.1, NM_001167819.1 and 4 more transcripts); c.894dup, p.Gln299fs (NM_001159701.2); c.*35dup (NM_001159702.3, NM_001159703.2, NM_001330659.2 and 3 more transcripts); short protein forms Q270fs, Q299fs, Q286fs.
Identifiers: ClinVar variation 3722367 (VCV003722367.2).